The following is an entry in ClinVar:

NM_012452.3(TNFRSF13B):c.677C>G (p.Pro226Arg)

Gene: TNFRSF13B (TNF receptor superfamily member 13B; minus strand). Cytogenetic location: 17p11.2.
Variant type: single nucleotide variant.
Coding change: c.677C>G on transcript NM_012452.3 (MANE Select); coding-DNA position 677, C replaced by G.
Protein change: p.Pro226Arg; replaces proline 226 with arginine.
Molecular consequence: missense variant.
Genome position (GRCh38, 1-based): chr17:16,939,752, G>C on the plus strand (C>G on the coding strand, the complement: TNFRSF13B is on the minus strand). VCF-style: chr17-16939752-G-C. GRCh37 (hg19) VCF-style: chr17-16843066-G-C.
Other names: short protein forms P226R.
Identifiers: ClinVar variation 2095656 (VCV002095656.1), dbSNP rs2508179031, ClinGen allele CA398519253.

ClinVar aggregate classification (germline): Uncertain significance (1 of 4 stars; one submission).

Conditions:
Immunodeficiency, common variable, 2 (CVID2). Also called: ANTIBODY DEFICIENCY DUE TO TACI DEFECT; HYPOGAMMAGLOBULINEMIA DUE TO TACI DEFICIENCY. Identifiers: Orphanet 1572, MedGen C3150354, MONDO:0009413, OMIM 240500.

Allele frequency attached by ClinVar (database versions not stated): gnomAD exomes below 0.00001.
gnomAD v4.1: 2 of 1,610,562 alleles (0.00012%); highest among the groups gnomAD compares: African/African-American, 0.0013%; no homozygotes.

Submission:

Labcorp Genetics (formerly Invitae), Labcorp
Classification: Uncertain significance for Immunodeficiency, common variable, 2. Last evaluated: 2022-09-06. Review status: criteria provided, single submitter. Criteria: Invitae Variant Classification Sherloc (09022015). Collection method: clinical testing. Allele origin: germline.
Comment: This sequence change replaces proline, which is neutral and non-polar, with arginine, which is basic and polar, at codon 226 of the TNFRSF13B protein (p.Pro226Arg). This variant is not present in population databases (gnomAD no frequency). This variant has not been reported in the literature in individuals affected with TNFRSF13B-related conditions. Algorithms developed to predict the effect of missense changes on protein structure and function are either unavailable or do not agree on the potential impact of this missense change (SIFT: "Deleterious"; PolyPhen-2: "Probably Damaging"; Align-GVGD: "Class C0"). In summary, the available evidence is currently insufficient to determine the role of this variant in disease. Therefore, it has been classified as a Variant of Uncertain Significance.